The following is an entry in ClinVar:

NM_000138.5(FBN1):c.3027G>A (p.Pro1009=)

Gene: FBN1 (fibrillin 1; minus strand). Cytogenetic location: 15q21.1.
Variant type: single nucleotide variant.
Coding change: c.3027G>A on transcript NM_000138.5 (MANE Select); coding-DNA position 3027, G replaced by A.
Protein change: p.Pro1009=; no amino-acid change (proline 1009 retained).
Molecular consequence: synonymous variant.
Genome position (GRCh38, 1-based): chr15:48,489,906, C>T on the plus strand (G>A on the coding strand, the complement: FBN1 is on the minus strand). VCF-style: chr15-48489906-C-T. GRCh37 (hg19) VCF-style: chr15-48782103-C-T.
Identifiers: ClinVar variation 920159 (VCV000920159.11), dbSNP rs774381427, ClinGen allele CA049598.

ClinVar aggregate classification (germline): Likely benign. Review status: criteria provided, multiple submitters, no conflicts (2 of 4 stars). 3 submissions from 3 submitters: Likely benign (3). Last evaluated 2025-11-30.

Conditions:
Familial thoracic aortic aneurysm and aortic dissection (TAAD). Also called: Thoracic aortic aneurysms and dissections. Identifiers: Orphanet 91387, MedGen C4707243, MONDO:0019625.
Marfan syndrome (MFS). Also called: Marfan syndrome, classic; Marfan syndrome type 1; Marfan's syndrome; FBN1-Related Marfan Syndrome; MARFAN SYNDROME, TYPE I. Identifiers: Orphanet 284963, Orphanet 558, MedGen C0024796, MONDO:0007947, OMIM 154700.

Allele frequency attached by ClinVar (database versions not stated): gnomAD exomes below 0.00001; ExAC 0.00001.
gnomAD v4.1: 7 of 1,614,176 alleles (0.00043%); highest among the groups gnomAD compares: East Asian, 0.0022%; no homozygotes.

Submissions (3):

Labcorp Genetics (formerly Invitae), Labcorp
Classification: Likely benign for Marfan syndrome; Familial thoracic aortic aneurysm and aortic dissection. Last evaluated: 2025-11-30. Review status: criteria provided, single submitter. Criteria: Invitae Variant Classification Sherloc (09022015). Collection method: clinical testing. Allele origin: germline.

Women's Health and Genetics/Laboratory Corporation of America, LabCorp
Classification: Likely benign. Last evaluated: 2020-07-20. Review status: criteria provided, single submitter. Criteria: LabCorp Variant Classification Summary - May 2015. Collection method: clinical testing. Allele origin: germline.
Comment: Variant summary: FBN1 c.3027G>A alters a non-conserved nucleotide resulting in a synonymous change. 4/4 computational tools predict no significant impact on normal splicing. However, these predictions have yet to be confirmed by functional studies. The variant allele was found at a frequency of 4e-06 in 251440 control chromosomes (gnomAD). The available data on variant occurrences in the general population are insufficient to allow any conclusion about variant significance. To our knowledge, no occurrence of c.3027G>A in individuals affected with Marfan Syndrome and no experimental evidence demonstrating its impact on protein function have been reported. One clinical diagnostic laboratory has submitted clinical-significance assessments for this variant to ClinVar after 2014 without evidence for independent evaluation, and classified the variant as likely benign. Based on the evidence outlined above, the variant was classified as likely benign.

Color Diagnostics, LLC DBA Color Health
Classification: Likely benign for Familial thoracic aortic aneurysm and aortic dissection. Last evaluated: 2019-09-16. Review status: criteria provided, single submitter. Criteria: ACMG Guidelines, 2015. Collection method: clinical testing. Allele origin: germline.